The following is an entry in ClinVar:

ClinVar aggregate classification (germline): Uncertain significance (1 of 4 stars; one submission).

Conditions:
Facioscapulohumeral muscular dystrophy 2 (FSHD2). Also called: MUSCULAR DYSTROPHY, FACIOSCAPULOHUMERAL, TYPE 1B; FACIOSCAPULOHUMERAL MUSCULAR DYSTROPHY 2, DIGENIC; FSHD2, DIGENIC. Identifiers: Orphanet 269, MedGen C1834671, MONDO:0008031, OMIM 158901.

Submission:

Labcorp Genetics (formerly Invitae), Labcorp
Classification: Uncertain significance for Facioscapulohumeral muscular dystrophy 2. Last evaluated: 2025-06-22. Review status: criteria provided, single submitter. Criteria: Invitae Variant Classification Sherloc (09022015). Collection method: clinical testing. Allele origin: germline.
Comment: This sequence change replaces glutamine, which is neutral and polar, with arginine, which is basic and polar, at codon 138 of the SMCHD1 protein (p.Gln138Arg). This variant is not present in population databases (gnomAD no frequency). This variant has not been reported in the literature in individuals affected with SMCHD1-related conditions. Invitae Evidence Modeling of protein sequence and biophysical properties (such as structural, functional, and spatial information, amino acid conservation, physicochemical variation, residue mobility, and thermodynamic stability) indicates that this missense variant is not expected to disrupt SMCHD1 protein function with a negative predictive value of 80%. In summary, the available evidence is currently insufficient to determine the role of this variant in disease. Therefore, it has been classified as a Variant of Uncertain Significance.

NM_015295.3(SMCHD1):c.413A>G (p.Gln138Arg)

Gene: SMCHD1 (structural maintenance of chromosomes flexible hinge domain containing 1; plus strand). Cytogenetic location: 18p11.32.
Variant type: single nucleotide variant.
Coding change: c.413A>G on transcript NM_015295.3 (MANE Select); coding-DNA position 413, A replaced by G.
Protein change: p.Gln138Arg; replaces glutamine 138 with arginine.
Molecular consequence: missense variant.
Genome position (GRCh38, 1-based): chr18:2,667,020, A>G. VCF-style: chr18-2667020-A-G. GRCh37 (hg19) VCF-style: chr18-2667019-A-G.
Other names: short protein forms Q138R.
Identifiers: ClinVar variation 4768545 (VCV004768545.1).
Genomic context (GRCh38, chr18:2,667,020, plus strand): 5'-TACCTCACTATGACACACTGGTTAAAAGTGGCATGTATGAATATTATGCCAGTGAAGGAC[A>G]AAATCCTTTGCGTAAGTATCCCATTCATACTAATTTTGATAAATTATTACCTGCCTTTAT-3'
Protein context (NP_056110.2, residues 128-148): GMYEYYASEG[Gln138Arg]NPLPFALAEL